The following is an entry in ClinVar:

NM_001040142.2(SCN2A):c.1639A>C (p.Thr547Pro)

Gene: SCN2A (sodium voltage-gated channel alpha subunit 2; plus strand). Cytogenetic location: 2q24.3.
Variant type: single nucleotide variant.
Coding change: c.1639A>C on transcript NM_001040142.2 (MANE Select); coding-DNA position 1639, A replaced by C.
Protein change: p.Thr547Pro; replaces threonine 547 with proline.
Molecular consequence: missense variant.
Genome position (GRCh38, 1-based): chr2:165,315,726, A>C. VCF-style: chr2-165315726-A-C. GRCh37 (hg19) VCF-style: chr2-166172236-A-C.
Other names: c.1639A>C, p.Thr547Pro (NM_001040143.2, NM_001371246.1, NM_001371247.1 and 1 more transcripts); short protein forms T547P.
Identifiers: ClinVar variation 2446581 (VCV002446581.1), dbSNP rs2467909279, ClinGen allele CA349024047.

ClinVar aggregate classification (germline): Uncertain significance (1 of 4 stars; one submission).

Submission:

GeneDx
Classification: Uncertain significance. Last evaluated: 2023-04-02. Review status: criteria provided, single submitter. Criteria: GeneDx Variant Classification Process June 2021. Collection method: clinical testing. Allele origin: germline. Affected: yes.
Comment: Not observed at significant frequency in large population cohorts (gnomAD); In silico analysis supports that this missense variant has a deleterious effect on protein structure/function; Missense variants in this gene are often considered pathogenic (HGMD); This substitution is predicted to be in the cytoplasmic loop between the first and second homologous domains; Has not been previously published as pathogenic or benign to our knowledge; This variant is associated with the following publications: (PMID: 22029951, 24077912)